The following is an entry in ClinVar:

ClinVar aggregate classification (germline): Likely benign. Review status: criteria provided, multiple submitters, no conflicts (2 of 4 stars). 3 submissions from 3 submitters: Likely benign (3). Last evaluated 2025-12-23.

Conditions:
Brugada syndrome 8 (BRGDA8). Identifiers: Orphanet 130, MedGen C2751083, MONDO:0013148, OMIM 613123.
Cardiovascular phenotype. Identifiers: MedGen CN230736.

Allele frequency attached by ClinVar (database versions not stated): TOPMed below 0.00001; gnomAD exomes 0.00001.
gnomAD v4.1: 12 of 1,596,726 alleles (0.00075%); highest among the groups gnomAD compares: South Asian, 0.0055%; no homozygotes.

Submissions (3):

Labcorp Genetics (formerly Invitae), Labcorp
Classification: Likely benign for Brugada syndrome 8. Last evaluated: 2025-12-23. Review status: criteria provided, single submitter. Criteria: Invitae Variant Classification Sherloc (09022015). Collection method: clinical testing. Allele origin: germline.

Ambry Genetics
Classification: Likely benign for Cardiovascular phenotype. Last evaluated: 2020-07-12. Review status: criteria provided, single submitter. Criteria: Ambry Variant Classification Scheme 2023. Collection method: clinical testing. Allele origin: germline.

GeneDx
Classification: Likely benign. Last evaluated: 2017-12-06. Review status: criteria provided, single submitter. Criteria: GeneDx Variant Classification (06012015). Collection method: clinical testing. Allele origin: germline. Affected: yes.
Comment: This variant is considered likely benign or benign based on one or more of the following criteria: it is a conservative change, it occurs at a poorly conserved position in the protein, it is predicted to be benign by multiple in silico algorithms, and/or has population frequency not consistent with disease.

NM_005477.3(HCN4):c.555C>T (p.Asp185=)

Gene: HCN4 (hyperpolarization activated cyclic nucleotide gated potassium channel 4; minus strand). Cytogenetic location: 15q24.1.
Variant type: single nucleotide variant.
Coding change: c.555C>T on transcript NM_005477.3 (MANE Select); coding-DNA position 555, C replaced by T.
Protein change: p.Asp185=; no amino-acid change (aspartic acid 185 retained).
Molecular consequence: synonymous variant.
Genome position (GRCh38, 1-based): chr15:73,367,716, G>A on the plus strand (C>T on the coding strand, the complement: HCN4 is on the minus strand). VCF-style: chr15-73367716-G-A. GRCh37 (hg19) VCF-style: chr15-73660057-G-A.
Identifiers: ClinVar variation 513911 (VCV000513911.6), dbSNP rs998732998, ClinGen allele CA272700221.
Genomic context (GRCh38, chr15:73,367,716, plus strand): 5'-CTCGGCCTCCGGGAGGATCTGGTCGCCGGCAGCCGCGCCTCCCTCCACTTTGATAGCGGT[G>A]TCCACCGAGGGCTGCTCGCAGGAGGCGGAGGCCGGCTGCGGTGGCTGCTGGGGCGGCGGC-3'
Protein context (NP_005468.1, residues 175-195): ASASCEQPSV[Asp185=]TAIKVEGGAA